The following is an entry in ClinVar:

NM_000492.4(CFTR):c.2713G>C (p.Val905Leu)

Gene: CFTR (CF transmembrane conductance regulator; plus strand). Cytogenetic location: 7q31.2.
Variant type: single nucleotide variant.
Coding change: c.2713G>C on transcript NM_000492.4 (MANE Select); coding-DNA position 2713, G replaced by C.
Protein change: p.Val905Leu; replaces valine 905 with leucine.
Molecular consequence: missense variant.
Genome position (GRCh38, 1-based): chr7:117,603,587, G>C. VCF-style: chr7-117603587-G-C. GRCh37 (hg19) VCF-style: chr7-117243641-G-C.
Other names: p.Val905Leu; short protein forms V905L.
Identifiers: ClinVar variation 996249 (VCV000996249.7), dbSNP rs886186687, ClinGen allele CA164960001.

ClinVar aggregate classification (germline): Uncertain significance. Review status: criteria provided, multiple submitters, no conflicts (2 of 4 stars). 5 submissions from 5 submitters: Uncertain significance (4). 1 of the submissions does not count toward it. Last evaluated 2024-05-26.

Conditions:
CFTR-related disorder (CFTR-RD). Also called: CFTR-related disorders; CFTR-related condition. Identifiers: MedGen C5924204, MONDO:7770004.
Cystic fibrosis (CF). Also called: MUCOVISCIDOSIS. Identifiers: Orphanet 586, MedGen C0010674, MONDO:0009061, OMIM 219700. Disease mechanism: loss of function.

Allele frequency attached by ClinVar (database versions not stated): TOPMed below 0.00001; gnomAD exomes 0.00002 and 0.00003.
gnomAD v4.1: 45 of 1,613,952 alleles (0.0028%); highest among the groups gnomAD compares: Non-Finnish European, 0.0038%; no homozygotes.

Submissions (5):

Labcorp Genetics (formerly Invitae), Labcorp
Classification: Uncertain significance for Cystic fibrosis. Last evaluated: 2024-05-26. Review status: criteria provided, single submitter. Criteria: Invitae Variant Classification Sherloc (09022015). Collection method: clinical testing. Allele origin: germline.
Comment: This sequence change replaces valine, which is neutral and non-polar, with leucine, which is neutral and non-polar, at codon 905 of the CFTR protein (p.Val905Leu). This variant is present in population databases (no rsID available, gnomAD 0.004%). This variant has not been reported in the literature in individuals affected with CFTR-related conditions. ClinVar contains an entry for this variant (Variation ID: 996249). Advanced modeling of protein sequence and biophysical properties (such as structural, functional, and spatial information, amino acid conservation, physicochemical variation, residue mobility, and thermodynamic stability) has been performed at Invitae for this missense variant, however the output from this modeling did not meet the statistical confidence thresholds required to predict the impact of this variant on CFTR protein function. In summary, the available evidence is currently insufficient to determine the role of this variant in disease. Therefore, it has been classified as a Variant of Uncertain Significance.

Ambry Genetics
Classification: Uncertain significance for Cystic fibrosis. Last evaluated: 2022-12-05. Review status: criteria provided, single submitter. Criteria: Ambry Variant Classification Scheme 2023. Collection method: clinical testing. Allele origin: germline.
Comment: The p.V905L variant (also known as c.2713G>C), located in coding exon 17 of the CFTR gene, results from a G to C substitution at nucleotide position 2713. The valine at codon 905 is replaced by leucine, an amino acid with highly similar properties. This amino acid position is conserved. In addition, the in silico prediction for this alteration is inconclusive. Since supporting evidence is limited at this time, the clinical significance of this alteration remains unclear.

Mayo Clinic Laboratories, Mayo Clinic
Classification: Uncertain significance. Last evaluated: 2022-03-17. Review status: criteria provided, single submitter. Criteria: ACMG Guidelines, 2015. Collection method: clinical testing. Allele origin: germline. Observed: 1 variant allele.
Comment: PM2

Women's Health and Genetics/Laboratory Corporation of America, LabCorp
Classification: Uncertain significance. Last evaluated: 2021-01-29. Review status: criteria provided, single submitter. Criteria: LabCorp Variant Classification Summary - May 2015. Collection method: clinical testing. Allele origin: germline.
Comment: Variant summary: CFTR c.2713G>C (p.Val905Leu) results in a conservative amino acid change located in the transmembrane domain (IPR011527) of the encoded protein sequence. Four of five in-silico tools predict a benign effect of the variant on protein function. The variant allele was found at a frequency of 1.6e-05 in 251318 control chromosomes (gnomAD). The available data on variant occurrences in the general population are insufficient to allow any conclusion about variant significance. To our knowledge, no occurrence of c.2713G>C in individuals affected with Cystic Fibrosis and no experimental evidence demonstrating its impact on protein function have been reported. No clinical diagnostic laboratories have submitted clinical-significance assessments for this variant to ClinVar after 2014. Based on the evidence outlined above, the variant was classified as uncertain significance.

Natera, Inc.
Classification: Uncertain significance for CFTR-related disorders. Last evaluated: 2019-11-15. Review status: no assertion criteria provided. Collection method: clinical testing. Allele origin: germline. Not counted in ClinVar's aggregate classification.